The following is an entry in ClinVar:

ClinVar aggregate classification (germline): Likely benign. Review status: criteria provided, multiple submitters, no conflicts (2 of 4 stars). 3 submissions from 3 submitters: Likely benign (3). Last evaluated 2026-08-07.

Conditions:
ACAN-related disorder. Also called: ACAN-related condition; ACAN-related disorders.

Allele frequency attached by ClinVar (database versions not stated): ExAC 0.00001; gnomAD exomes 0.00001.
gnomAD v4.1: 18 of 1,608,186 alleles (0.0011%); highest among the groups gnomAD compares: Non-Finnish European, 0.0015%; no homozygotes.

Submissions (3):

PreventionGenetics, part of Exact Sciences
Classification: Likely benign for ACAN-related condition. Last evaluated: 2026-08-07. Review status: criteria provided, single submitter. Criteria: ACMG Guidelines, 2015. Collection method: clinical testing. Allele origin: germline.
Comment: This variant is classified as likely benign based on ACMG/AMP sequence variant interpretation guidelines (Richards et al. 2015 PMID: 25741868, with internal and published modifications).

Labcorp Genetics (formerly Invitae), Labcorp
Classification: Likely benign. Last evaluated: 2025-11-17. Review status: criteria provided, single submitter. Criteria: Invitae Variant Classification Sherloc (09022015). Collection method: clinical testing. Allele origin: germline.

CeGaT Center for Human Genetics Tuebingen
Classification: Likely benign. Last evaluated: 2022-11-01. Review status: criteria provided, single submitter. Criteria: CeGaT Center For Human Genetics Tuebingen Variant Classification Criteria Version 2. Collection method: clinical testing. Allele origin: germline. Affected: yes. Observed: 1 variant allele.
Comment: ACAN: BP4, BP7

NM_001369268.1(ACAN):c.1869T>C (p.Tyr623=)

Gene: ACAN (aggrecan; plus strand). Cytogenetic location: 15q26.1.
Variant type: single nucleotide variant.
Coding change: c.1869T>C on transcript NM_001369268.1 (MANE Select); coding-DNA position 1869, T replaced by C.
Protein change: p.Tyr623=; no amino-acid change (tyrosine 623 retained).
Molecular consequence: synonymous variant.
Genome position (GRCh38, 1-based): chr15:88,849,574, T>C. VCF-style: chr15-88849574-T-C. GRCh37 (hg19) VCF-style: chr15-89392805-T-C.
Other names: c.1869T>C, p.Tyr623= (NM_001135.4, NM_001411096.1, NM_001411097.1 and 1 more transcripts); c.1869T>C (NM_013227.3).
Identifiers: ClinVar variation 2645671 (VCV002645671.28), dbSNP rs763515848, ClinGen allele CA7719712.